The following is an entry in ClinVar:

NM_001193315.2(VIPAS39):c.958C>T (p.Arg320Ter)

Gene: VIPAS39 (VPS33B interacting protein, apical-basolateral polarity regulator, spe-39 homolog; minus strand). Cytogenetic location: 14q24.3.
Variant type: single nucleotide variant.
Coding change: c.958C>T on transcript NM_001193315.2 (MANE Select); coding-DNA position 958, C replaced by T.
Protein change: p.Arg320Ter; replaces arginine 320 with a stop codon.
Molecular consequence: nonsense.
Genome position (GRCh38, 1-based): chr14:77,435,348, G>A on the plus strand (C>T on the coding strand, the complement: VIPAS39 is on the minus strand). VCF-style: chr14-77435348-G-A. GRCh37 (hg19) VCF-style: chr14-77901691-G-A.
Other names: c.958C>T, p.Arg320Ter (NM_001193314.2, NM_001193317.2, NM_022067.4); c.811C>T, p.Arg271Ter (NM_001193316.2); short protein forms R320*, R271*.
Identifiers: ClinVar variation 501604 (VCV000501604.12), dbSNP rs747749610, ClinGen allele CA7287878.

ClinVar aggregate classification (germline): Pathogenic/Likely pathogenic. Review status: criteria provided, multiple submitters, no conflicts (2 of 4 stars). 3 submissions from 3 submitters: Pathogenic (1); Likely pathogenic (2). Last evaluated 2023-04-11.

Conditions:
Arthrogryposis, renal dysfunction, and cholestasis 2 (ARCS2). Identifiers: Orphanet 2697, MedGen C3150672, MONDO:0013255, OMIM 613404.

Allele frequency attached by ClinVar (database versions not stated): gnomAD exomes below 0.00001 and 0.00001; TOPMed below 0.00001; ExAC 0.00002.
gnomAD v4.1: 2 of 1,611,636 alleles (0.00012%); highest among the groups gnomAD compares: South Asian, 0.0011%; no homozygotes.

Submissions (3):

Department of Pathology and Laboratory Medicine, Sinai Health System
Classification: Likely pathogenic for Arthrogryposis, renal dysfunction, and cholestasis 2. Last evaluated: 2023-04-11. Review status: criteria provided, single submitter. Criteria: ACMG Guidelines, 2015. Collection method: research. Allele origin: germline.

Labcorp Genetics (formerly Invitae), Labcorp
Classification: Pathogenic. Last evaluated: 2021-05-06. Review status: criteria provided, single submitter. Criteria: Invitae Variant Classification Sherloc (09022015). Collection method: clinical testing. Allele origin: germline.
Comment: For these reasons, this variant has been classified as Pathogenic. Loss-of-function variants in VIPAS39 are known to be pathogenic (PMID: 20190753, 22753090). This variant has not been reported in the literature in individuals with a VIPAS39-related disease. This variant is present in population databases (rs747749610, ExAC 0.003%). This sequence change creates a premature translational stop signal (p.Arg320*) in the VIPAS39 gene. It is expected to result in an absent or disrupted protein product.

Eurofins Ntd Llc (ga)
Classification: Likely pathogenic. Last evaluated: 2017-04-27. Review status: criteria provided, single submitter. Criteria: EGL Classification Definitions 2015. Collection method: clinical testing. Allele origin: germline. Observed: 1 variant allele, 1 heterozygote.

Literature cited by the submitters: PubMed 20190753 (cited by Labcorp Genetics (formerly Invitae), Labcorp); PubMed 22753090 (cited by Labcorp Genetics (formerly Invitae), Labcorp).